The following is an entry in ClinVar:

NM_005609.4(PYGM):c.648G>A (p.Trp216Ter)

Gene: PYGM (glycogen phosphorylase, muscle associated; minus strand). Cytogenetic location: 11q13.1.
Variant type: single nucleotide variant.
Coding change: c.648G>A on transcript NM_005609.4 (MANE Select); coding-DNA position 648, G replaced by A.
Protein change: p.Trp216Ter; replaces tryptophan 216 with a stop codon.
Molecular consequence: nonsense.
Genome position (GRCh38, 1-based): chr11:64,757,791, C>T on the plus strand (G>A on the coding strand, the complement: PYGM is on the minus strand). VCF-style: chr11-64757791-C-T. GRCh37 (hg19) VCF-style: chr11-64525263-C-T.
Other names: c.384G>A, p.Trp128Ter (NM_001164716.1); short protein forms W128*, W216*.
Identifiers: ClinVar variation 2112713 (VCV002112713.4), dbSNP rs2496668328, ClinGen allele CA381107438.
Genomic context (GRCh38, chr11:64,757,791, plus strand): 5'-CTTCCCTCCCCTTCTCTGGGCTCCCCTGACCCCCAGCTTCATCCTCACCTGTGTGTCCAC[C>T]CACTTGGCACCCTGGCTGGTGTGCTCCACATGGCCGTAGAAGTGCACAGGTAGCGTGAAC-3'

ClinVar aggregate classification (germline): Pathogenic (1 of 4 stars; one submission).

Conditions:
Glycogen storage disease, type V (GSD5). Also called: MCARDLE DISEASE; MUSCLE GLYCOGEN PHOSPHORYLASE DEFICIENCY; MYOPHOSPHORYLASE DEFICIENCY; PYGM DEFICIENCY; McArdle type glycogen storage disease. Identifiers: Orphanet 368, MedGen C0017924, MONDO:0009293, OMIM 232600.

Submission:

Labcorp Genetics (formerly Invitae), Labcorp
Classification: Pathogenic for Glycogen storage disease, type V. Last evaluated: 2023-08-09. Review status: criteria provided, single submitter. Criteria: Invitae Variant Classification Sherloc (09022015). Collection method: clinical testing. Allele origin: germline.
Comment: This sequence change creates a premature translational stop signal (p.Trp216*) in the PYGM gene. It is expected to result in an absent or disrupted protein product. Loss-of-function variants in PYGM are known to be pathogenic (PMID: 8316268, 16786513). This variant is not present in population databases (gnomAD no frequency). For these reasons, this variant has been classified as Pathogenic. Algorithms developed to predict the effect of sequence changes on RNA splicing suggest that this variant may create or strengthen a splice site. ClinVar contains an entry for this variant (Variation ID: 2112713). This variant has not been reported in the literature in individuals affected with PYGM-related conditions.

Literature cited by the submitters: PubMed 8316268; PubMed 16786513.